The following is an entry in ClinVar:

NM_024301.5(FKRP):c.1376C>A (p.Ala459Glu)

Gene: FKRP (fukutin related protein; plus strand). Cytogenetic location: 19q13.32.
Variant type: single nucleotide variant.
Coding change: c.1376C>A on transcript NM_024301.5 (MANE Select); coding-DNA position 1376, C replaced by A.
Protein change: p.Ala459Glu; replaces alanine 459 with glutamic acid.
Molecular consequence: missense variant.
Genome position (GRCh38, 1-based): chr19:46,756,826, C>A. VCF-style: chr19-46756826-C-A. GRCh37 (hg19) VCF-style: chr19-47260083-C-A.
Other names: c.1376C>A, p.Ala459Glu (NM_001039885.3); short protein forms A459E.
Identifiers: ClinVar variation 5003805 (VCV005003805.1).

ClinVar aggregate classification (germline): Uncertain significance (1 of 4 stars; one submission).

Conditions:
Myopathy caused by variation in FKRP. Identifiers: MedGen CN305637, MONDO:0700066.

Submission:

Myriad Genetics, Inc.
Classification: Uncertain significance for Myopathy caused by variation in FKRP. Last evaluated: 2026-08-25. Review status: criteria provided, single submitter. Criteria: Myriad Autosomal Dominant, Autosomal Recessive and X-Linked Classification Criteria (2023). Collection method: clinical testing. Allele origin: unknown.
Comment: NM_024301.4(FKRP):c.1376C>A(A459E) is a missense variant classified as a variant of uncertain significance in the context of FKRP-related disorders. A459E has been observed in a case with relevant disease (PMID: 33200426). Relevant functional assessments of this variant are available in the literature (PMID: 39326416). A459E has not been observed in referenced population frequency databases. In summary, there is insufficient evidence to classify NM_024301.4(FKRP):c.1376C>A(A459E) as pathogenic or benign. Please note: this variant was assessed in the context of healthy population screening.

Literature cited by the submitters: PubMed 33200426; PubMed 39326416.